The following is an entry in ClinVar:

ClinVar aggregate classification (germline): Conflicting classifications of pathogenicity. Review status: criteria provided, conflicting classifications (1 of 4 stars). 3 submissions from 3 submitters: Uncertain significance (2); Likely benign (1). Last evaluated 2026-09-02.

Conditions:
Inborn genetic diseases. Identifiers: MedGen C0950123, MeSH D030342.

gnomAD v4.1: 3 of 1,613,164 alleles (0.00019%); highest among the groups gnomAD compares: Admixed American, 0.0033%; no homozygotes.

Submissions (3):

Ambry Genetics
Classification: Uncertain significance for Inborn genetic diseases. Last evaluated: 2026-09-02. Review status: criteria provided, single submitter. Criteria: Ambry Variant Classification Scheme 2023. Collection method: clinical testing. Allele origin: germline.

CeGaT Center for Human Genetics Tuebingen
Classification: Likely benign. Last evaluated: 2026-07-01. Review status: criteria provided, single submitter. Criteria: CeGaT Center For Human Genetics Tuebingen Variant Classification Criteria Version 2. Collection method: clinical testing. Allele origin: germline. Affected: yes. Observed: 1 variant allele.
Comment: USH2A: BP4

Women's Health and Genetics/Laboratory Corporation of America, LabCorp
Classification: Uncertain significance. Last evaluated: 2024-09-16. Review status: criteria provided, single submitter. Criteria: LabCorp Variant Classification Summary - May 2015. Collection method: clinical testing. Allele origin: germline.
Comment: Variant summary: USH2A c.10395C>A (p.Asn3465Lys) results in a non-conservative amino acid change located in the Fibronectin type III domain (IPR003961) of the encoded protein sequence. Three of five in-silico tools predict a benign effect of the variant on protein function. The variant allele was found at a frequency of 1.2e-05 in 250042 control chromosomes. The available data on variant occurrences in the general population are insufficient to allow any conclusion about variant significance. To our knowledge, no occurrence of c.10395C>A in individuals affected with Usher Syndrome and no experimental evidence demonstrating its impact on protein function have been reported. No submitters have cited clinical-significance assessments for this variant to ClinVar. Based on the evidence outlined above, the variant was classified as uncertain significance.

NM_206933.4(USH2A):c.10395C>A (p.Asn3465Lys)

Gene: USH2A (usherin; minus strand). Cytogenetic location: 1q41.
Variant type: single nucleotide variant.
Coding change: c.10395C>A on transcript NM_206933.4 (MANE Select); coding-DNA position 10395, C replaced by A.
Protein change: p.Asn3465Lys; replaces asparagine 3465 with lysine.
Molecular consequence: missense variant.
Genome position (GRCh38, 1-based): chr1:215,782,928, G>T on the plus strand (C>A on the coding strand, the complement: USH2A is on the minus strand). VCF-style: chr1-215782928-G-T. GRCh37 (hg19) VCF-style: chr1-215956270-G-T.
Other names: c.10395C>A (NM_206933.2); short protein forms N3465K.
Identifiers: ClinVar variation 3375455 (VCV003375455.3).